The following is an entry in ClinVar:

ClinVar aggregate classification (germline): Likely benign. Review status: criteria provided, multiple submitters, no conflicts (2 of 4 stars). 2 submissions from 2 submitters: Likely benign (2). Last evaluated 2025-06-18.

Conditions:
ABCA4-related disorder. Also called: ABCA4-related disorders; ABCA4-related condition. Identifiers: MedGen CN239167.

Allele frequency attached by ClinVar (database versions not stated): ESP Exome Variant Server 0.00015; gnomAD 0.00017 and 0.00020.
gnomAD v4.1: 66 of 1,610,094 alleles (0.0041%); highest among the groups gnomAD compares: African/African-American, 0.08%; no homozygotes.

Submissions (2):

PreventionGenetics, part of Exact Sciences
Classification: Likely benign for ABCA4-related condition. Last evaluated: 2025-06-18. Review status: criteria provided, single submitter. Criteria: ACMG Guidelines, 2015. Collection method: clinical testing. Allele origin: germline.
Comment: This variant is classified as likely benign based on ACMG/AMP sequence variant interpretation guidelines (Richards et al. 2015 PMID: 25741868, with internal and published modifications).

Labcorp Genetics (formerly Invitae), Labcorp
Classification: Likely benign. Last evaluated: 2025-06-16. Review status: criteria provided, single submitter. Criteria: Invitae Variant Classification Sherloc (09022015). Collection method: clinical testing. Allele origin: germline.

NM_000350.3(ABCA4):c.6283-8C>T

Gene: ABCA4 (ATP binding cassette subfamily A member 4; minus strand). Cytogenetic location: 1p22.1.
Variant type: single nucleotide variant.
Coding change: c.6283-8C>T on transcript NM_000350.3 (MANE Select); 8 bases into the intron before coding-DNA position 6283, C replaced by T.
Molecular consequence: intron variant.
Genome position (GRCh38, 1-based): chr1:94,001,113, G>A on the plus strand (C>T on the coding strand, the complement: ABCA4 is on the minus strand). VCF-style: chr1-94001113-G-A. GRCh37 (hg19) VCF-style: chr1-94466669-G-A.
Other names: c.6283-8C>T (NM_000350.2).
Identifiers: ClinVar variation 1147718 (VCV001147718.11), dbSNP rs371076070, ClinGen allele CA956918.